The following is an entry in ClinVar:

NM_021942.6(TRAPPC11):c.208A>C (p.Thr70Pro)

Gene: TRAPPC11 (trafficking protein particle complex subunit 11; plus strand). Cytogenetic location: 4q35.1.
Variant type: single nucleotide variant.
Coding change: c.208A>C on transcript NM_021942.6 (MANE Select); coding-DNA position 208, A replaced by C.
Protein change: p.Thr70Pro; replaces threonine 70 with proline.
Molecular consequence: missense variant.
Genome position (GRCh38, 1-based): chr4:183,666,260, A>C. VCF-style: chr4-183666260-A-C. GRCh37 (hg19) VCF-style: chr4-184587413-A-C.
Other names: c.208A>C, p.Thr70Pro (NM_199053.3); short protein forms T70P.
Identifiers: ClinVar variation 2058065 (VCV002058065.1), dbSNP rs772669240, ClinGen allele CA3151531.

ClinVar aggregate classification (germline): Uncertain significance (1 of 4 stars; one submission).

Conditions:
Autosomal recessive limb-girdle muscular dystrophy type R18 (LGMDR18). Also called: Limb-girdle muscular dystrophy, type 2S; MUSCULAR DYSTROPHY, LIMB-GIRDLE, AUTOSOMAL RECESSIVE 18; Autosomal recessive limb-girdle muscular dystrophy type 2S. Identifiers: Orphanet 369840, MedGen C4517996, MONDO:0014144, OMIM 615356.

Allele frequency attached by ClinVar (database versions not stated): gnomAD exomes 0.00001; ExAC 0.00003.
gnomAD v4.1: 20 of 1,608,710 alleles (0.0012%); highest among the groups gnomAD compares: South Asian, 0.022%; no homozygotes.

Submission:

Labcorp Genetics (formerly Invitae), Labcorp
Classification: Uncertain significance for Autosomal recessive limb-girdle muscular dystrophy type R18. Last evaluated: 2022-04-06. Review status: criteria provided, single submitter. Criteria: Invitae Variant Classification Sherloc (09022015). Collection method: clinical testing. Allele origin: germline.
Comment: This sequence change replaces threonine, which is neutral and polar, with proline, which is neutral and non-polar, at codon 70 of the TRAPPC11 protein (p.Thr70Pro). This variant is present in population databases (rs772669240, gnomAD 0.02%). This variant has not been reported in the literature in individuals affected with TRAPPC11-related conditions. Algorithms developed to predict the effect of missense changes on protein structure and function are either unavailable or do not agree on the potential impact of this missense change (SIFT: "Deleterious"; PolyPhen-2: "Possibly Damaging"; Align-GVGD: "Class C0"). In summary, the available evidence is currently insufficient to determine the role of this variant in disease. Therefore, it has been classified as a Variant of Uncertain Significance.